The following is an entry in ClinVar:

NC_000014.8:g.(?_21671278)_(22005055_?)dup

Genes: RPGRIP1 (RPGR interacting protein 1; plus strand), HNRNPC (heterogeneous nuclear ribonucleoprotein C; minus strand), RAB2B (RAB2B, member RAS oncogene family; minus strand), CHD8 (chromodomain helicase DNA binding protein 8; minus strand), SALL2 (spalt like transcription factor 2; minus strand) and 3 more. Cytogenetic location: 14q11.2.
Variant type: Duplication.
Identifiers: ClinVar variation 2426543 (VCV002426543.3).

ClinVar aggregate classification (germline): Uncertain significance (1 of 4 stars; one submission).

Conditions:
Leber congenital amaurosis 6 (LCA6). Identifiers: Orphanet 65, MedGen C1854260, MONDO:0013446, OMIM 613826.
Cone-rod dystrophy 13 (CORD13). Identifiers: Orphanet 1872, MedGen C2750720, MONDO:0011987, OMIM 608194.

Submission:

Labcorp Genetics (formerly Invitae), Labcorp
Classification: Uncertain significance for Leber congenital amaurosis 6; Cone-rod dystrophy 13. Last evaluated: 2022-08-19. Review status: criteria provided, single submitter. Criteria: Invitae Variant Classification Sherloc (09022015). Collection method: clinical testing. Allele origin: germline.
Comment: A copy number gain of the genomic region encompassing the full coding sequence of the RPGRIP1 gene has been identified. The boundaries of this event are unknown as they extend beyond the assayed region for this gene and therefore may encompass additional genes. As the precise location of this event is unknown, it may be in tandem or it may be located elsewhere in the genome. This variant has not been reported in the literature in individuals affected with RPGRIP1-related conditions. In summary, the available evidence is currently insufficient to determine the role of this variant in disease. Therefore, it has been classified as a Variant of Uncertain Significance.